The following is an entry in ClinVar:

NM_002633.3(PGM1):c.157_158delinsG (p.Gln53fs)

Genes: PGM1 (phosphoglucomutase 1; plus strand), LOC129930668 (ATAC-STARR-seq lymphoblastoid active region 1127; plus strand). Cytogenetic location: 1p31.3.
Variant type: Indel.
Coding change: c.157_158delinsG on transcript NM_002633.3 (MANE Select); coding-DNA positions 157 to 158, CA replaced by G.
Protein change: p.Gln53fs; shifts the reading frame from glutamine 53.
Molecular consequence: frameshift variant.
Genome position (GRCh38, 1-based): chr1:63,593,645-63,593,646, CA replaced by G. VCF-style: chr1-63593645-CA-G. GRCh37 (hg19) VCF-style: chr1-64059316-CA-G.
Other names: short protein forms Q53fs.
Identifiers: ClinVar variation 965085 (VCV000965085.8), dbSNP rs1647935062, ClinGen allele CA1139656160.
Genomic context (GRCh38, chr1:63,593,645, plus strand): 5'-GCCAACTACGCGGAGAACTTCATCCAGAGTATCATCTCCACCGTGGAGCCGGCGCAGCGG[CA>G]GGAGGCCACGCTGGTGGTGGGCGGGGACGGCCGGTTCTACATGAAGGAGGCCATCCAGCT-3'

ClinVar aggregate classification (germline): Pathogenic. Review status: criteria provided, multiple submitters, no conflicts (2 of 4 stars). 4 submissions from 4 submitters: Pathogenic (3). 1 of the submissions does not count toward it. Last evaluated 2024-04-08.

Conditions:
PGM1-congenital disorder of glycosylation. Also called: GSD XIV; PHOSPHOGLUCOMUTASE 1 DEFICIENCY; PGM1 DEFICIENCY; GLYCOGEN STORAGE DISEASE XIV; Congenital disorder of glycosylation type 1t; CDG It. Identifiers: Orphanet 319646, MedGen C2752015, MONDO:0013968, OMIM 614921.

Submissions (4):

Labcorp Genetics (formerly Invitae), Labcorp
Classification: Pathogenic for PGM1-congenital disorder of glycosylation. Last evaluated: 2024-04-08. Review status: criteria provided, single submitter. Criteria: Invitae Variant Classification Sherloc (09022015). Collection method: clinical testing. Allele origin: germline.
Comment: This sequence change creates a premature translational stop signal (p.Gln53Glyfs*15) in the PGM1 gene. It is expected to result in an absent or disrupted protein product. Loss-of-function variants in PGM1 are known to be pathogenic (PMID: 22492991). This variant is present in population databases (no rsID available, gnomAD 0.003%). This premature translational stop signal has been observed in individual(s) with PGM1-congenital disorder of glycosylation (CDG) (PMID: 28617415). For these reasons, this variant has been classified as Pathogenic.

GeneDx
Classification: Pathogenic. Last evaluated: 2022-11-26. Review status: criteria provided, single submitter. Criteria: GeneDx Variant Classification Process June 2021. Collection method: clinical testing. Allele origin: germline. Affected: yes.
Comment: Frameshift variant predicted to result in protein truncation or nonsense mediated decay in a gene for which loss of function is a known mechanism of disease; Not observed at significant frequency in large population cohorts (gnomAD); This variant is associated with the following publications: (PMID: 33342467, 27206562)

Equipe Genetique des Anomalies du Developpement, Université de Bourgogne
Classification: Pathogenic for PGM1-congenital disorder of glycosylation. Last evaluated: 2021-08-16. Review status: criteria provided, single submitter. Criteria: ACMG Guidelines, 2015. Collection method: clinical testing. Allele origin: maternal. Inheritance: Autosomal recessive inheritance. Affected: yes.
Comment: This variant was observed in compound heterozygosity with variant c.423del

OMIM
Classification: Pathogenic for CONGENITAL DISORDER OF GLYCOSYLATION, TYPE It. Last evaluated: 2021-04-20. Review status: no assertion criteria provided. Collection method: literature only. Allele origin: germline. Not counted in ClinVar's aggregate classification.

Literature cited by the submitters: PubMed 22492991 (cited by Labcorp Genetics (formerly Invitae), Labcorp); PubMed 28617415 (cited by Labcorp Genetics (formerly Invitae), Labcorp and Equipe Genetique des Anomalies du Developpement, Université de Bourgogne); PubMed 33342467 (cited by OMIM).